The following is an entry in ClinVar:

NM_053025.4(MYLK):c.229G>A (p.Gly77Ser)

Gene: MYLK (myosin light chain kinase; minus strand). Cytogenetic location: 3q21.1.
Variant type: single nucleotide variant.
Coding change: c.229G>A on transcript NM_053025.4 (MANE Select); coding-DNA position 229, G replaced by A.
Protein change: p.Gly77Ser; replaces glycine 77 with serine.
Molecular consequence: missense variant. On other transcripts: intron variant (1).
Genome position (GRCh38, 1-based): chr3:123,752,475, C>T on the plus strand (G>A on the coding strand, the complement: MYLK is on the minus strand). VCF-style: chr3-123752475-C-T. GRCh37 (hg19) VCF-style: chr3-123471322-C-T.
Other names: p.Gly77Ser; c.229G>A, p.Gly77Ser (NM_053026.4, NM_053027.4, NM_053028.4); c.-155-12474G>A (NM_001321309.2); short protein forms G77S.
Identifiers: ClinVar variation 561314 (VCV000561314.17), dbSNP rs139000120, ClinGen allele CA068687.

ClinVar aggregate classification (germline): Uncertain significance. Review status: criteria provided, multiple submitters, no conflicts (2 of 4 stars). 7 submissions from 7 submitters: Uncertain significance (7). Last evaluated 2026-01-19.

Conditions:
Connective tissue disorder. Also called: Connective tissue disease. Identifiers: MedGen C0009782, MONDO:0003900.
Aortic aneurysm, familial thoracic 7 (AAT7). Also called: AORTIC DISSECTION, FAMILIAL, WITH OR WITHOUT AORTIC ANEURYSM. Identifiers: MedGen C3151077, MONDO:0013418, OMIM 613780.
Familial thoracic aortic aneurysm and aortic dissection (TAAD). Also called: Thoracic aortic aneurysms and dissections. Identifiers: Orphanet 91387, MedGen C4707243, MONDO:0019625.

Allele frequency attached by ClinVar (database versions not stated): ExAC 0.00001; TOPMed 0.00004; gnomAD 0.00006; ESP Exome Variant Server 0.00008.
gnomAD v4.1: 97 of 1,614,024 alleles (0.006%); highest among the groups gnomAD compares: Non-Finnish European, 0.0079%; no homozygotes.

Submissions (7):

Labcorp Genetics (formerly Invitae), Labcorp
Classification: Uncertain significance for Aortic aneurysm, familial thoracic 7. Last evaluated: 2026-01-19. Review status: criteria provided, single submitter. Criteria: Invitae Variant Classification Sherloc (09022015). Collection method: clinical testing. Allele origin: germline.
Comment: This sequence change replaces glycine, which is neutral and non-polar, with serine, which is neutral and polar, at codon 77 of the MYLK protein (p.Gly77Ser). This variant is present in population databases (rs139000120, gnomAD 0.002%). This variant has not been reported in the literature in individuals affected with MYLK-related conditions. ClinVar contains an entry for this variant (Variation ID: 561314). Invitae Evidence Modeling of protein sequence and biophysical properties (such as structural, functional, and spatial information, amino acid conservation, physicochemical variation, residue mobility, and thermodynamic stability) indicates that this missense variant is not expected to disrupt MYLK protein function with a negative predictive value of 95%. In summary, the available evidence is currently insufficient to determine the role of this variant in disease. Therefore, it has been classified as a Variant of Uncertain Significance.

Mayo Clinic Laboratories, Mayo Clinic
Classification: Uncertain significance. Last evaluated: 2023-12-21. Review status: criteria provided, single submitter. Criteria: ACMG Guidelines, 2015. Collection method: clinical testing. Allele origin: germline. Observed: 1 variant allele.
Comment: BP4

Blueprint Genetics
Classification: Uncertain significance. Last evaluated: 2022-12-19. Review status: criteria provided, single submitter. Criteria: ACMG Guidelines, 2015. Collection method: clinical testing. Allele origin: germline.

Ambry Genetics
Classification: Uncertain significance for Familial thoracic aortic aneurysm and aortic dissection. Last evaluated: 2022-03-08. Review status: criteria provided, single submitter. Criteria: Ambry Variant Classification Scheme 2023. Collection method: clinical testing. Allele origin: germline.
Comment: The p.G77S variant (also known as c.229G>A), located in coding exon 2 of the MYLK gene, results from a G to A substitution at nucleotide position 229. The glycine at codon 77 is replaced by serine, an amino acid with similar properties. This amino acid position is not well conserved in available vertebrate species. In addition, this alteration is predicted to be tolerated by in silico analysis. Since supporting evidence is limited at this time, the clinical significance of this alteration remains unclear.

GeneDx
Classification: Uncertain significance. Last evaluated: 2021-05-14. Review status: criteria provided, single submitter. Criteria: GeneDx Variant Classification Process June 2021. Collection method: clinical testing. Allele origin: germline. Affected: yes.
Comment: Has not been previously published as pathogenic or benign to our knowledge; Not observed at a significant frequency in large population cohorts (Lek et al., 2016); In silico analysis supports that this missense variant does not alter protein structure/function; Reported in ClinVar as a variant of uncertain significance (ClinVar Variant ID# 561314; Landrum et al., 2016)

Center for Human Genetics, Inc
Classification: Uncertain significance for Connective tissue disorder. Last evaluated: 2018-06-01. Review status: criteria provided, single submitter. Criteria: ACMG Guidelines, 2015. Collection method: clinical testing. Allele origin: germline. Affected: yes.

CHEO Genetics Diagnostic Laboratory, Children's Hospital of Eastern Ontario
Classification: Uncertain significance for Familial thoracic aortic aneurysm and aortic dissection. Last evaluated: 2017-09-11. Review status: criteria provided, single submitter. Criteria: ACMG Guidelines, 2015. Collection method: clinical testing. Allele origin: germline. Study: Canadian Open Genetics Repository.